The following is an entry in ClinVar:

ClinVar aggregate classification (germline): Uncertain significance (1 of 4 stars; one submission).

Submission:

CeGaT Center for Human Genetics Tuebingen
Classification: Uncertain significance. Last evaluated: 2024-03-01. Review status: criteria provided, single submitter. Criteria: CeGaT Center For Human Genetics Tuebingen Variant Classification Criteria Version 2. Collection method: clinical testing. Allele origin: germline. Affected: yes. Observed: 1 variant allele.
Comment: ADCY5: PM2

NM_183357.3(ADCY5):c.818T>G (p.Val273Gly)

Gene: ADCY5 (adenylate cyclase 5; minus strand). Cytogenetic location: 3q21.1.
Variant type: single nucleotide variant.
Coding change: c.818T>G on transcript NM_183357.3 (MANE Select); coding-DNA position 818, T replaced by G.
Protein change: p.Val273Gly; replaces valine 273 with glycine.
Molecular consequence: missense variant.
Genome position (GRCh38, 1-based): chr3:123,447,728, A>C on the plus strand (T>G on the coding strand, the complement: ADCY5 is on the minus strand). VCF-style: chr3-123447728-A-C. GRCh37 (hg19) VCF-style: chr3-123166575-A-C.
Other names: c.818T>G, p.Val273Gly (NM_001378259.1); short protein forms V273G.
Identifiers: ClinVar variation 3067440 (VCV003067440.21), dbSNP rs141412542, ClinGen allele CA354356686.
Genomic context (GRCh38, chr3:123,447,728, plus strand): 5'-AAGGCGGCGCGGTTGCAAAGCACAGCCATGATGAGGATCACGCCGACGGCGGCCGCCAGC[A>C]CGGCCAGGTAGGGCAGCTGGAGCGGGGGCCGCGCCGCGTGGAAGGCCAACATGACCAGGC-3'
Protein context (NP_899200.1, residues 263-283): RPPLQLPYLA[Val273Gly]LAAAVGVILI